The following is an entry in ClinVar:

ClinVar aggregate classification (germline): Uncertain significance (1 of 4 stars; one submission).

Conditions:
Fanconi anemia complementation group O. Also called: RAD51C-Related Fanconi Anemia. Identifiers: Orphanet 84, MedGen C3150653, MONDO:0013248, OMIM 613390.

Submission:

Labcorp Genetics (formerly Invitae), Labcorp
Classification: Uncertain significance for Fanconi anemia complementation group O. Last evaluated: 2020-10-16. Review status: criteria provided, single submitter. Criteria: Invitae Variant Classification Sherloc (09022015). Collection method: clinical testing. Allele origin: germline.
Comment: This sequence change replaces aspartic acid with glutamic acid at codon 348 of the RAD51C protein (p.Asp348Glu). The aspartic acid residue is moderately conserved and there is a small physicochemical difference between aspartic acid and glutamic acid. This variant is not present in population databases (ExAC no frequency). This variant has not been reported in the literature in individuals with RAD51C-related conditions. Algorithms developed to predict the effect of missense changes on protein structure and function are either unavailable or do not agree on the potential impact of this missense change (SIFT: "Tolerated"; PolyPhen-2: "Probably Damaging"; Align-GVGD: "Class C0"). In summary, the available evidence is currently insufficient to determine the role of this variant in disease. Therefore, it has been classified as a Variant of Uncertain Significance.

NM_058216.3(RAD51C):c.1044T>G (p.Asp348Glu)

Gene: RAD51C (RAD51 paralog C; plus strand). Cytogenetic location: 17q22.
Variant type: single nucleotide variant.
Coding change: c.1044T>G on transcript NM_058216.3 (MANE Select); coding-DNA position 1044, T replaced by G.
Protein change: p.Asp348Glu; replaces aspartic acid 348 with glutamic acid.
Molecular consequence: missense variant. On other transcripts: non-coding transcript variant (1).
Genome position (GRCh38, 1-based): chr17:58,734,135, T>G. VCF-style: chr17-58734135-T-G. GRCh37 (hg19) VCF-style: chr17-56811496-T-G.
Other names: short protein forms D348E.
Identifiers: ClinVar variation 1059020 (VCV001059020.9), dbSNP rs2144060550, ClinGen allele CA400365989.